The following is an entry in ClinVar:

NM_032043.3(BRIP1):c.2009T>C (p.Phe670Ser)

Gene: BRIP1 (BRCA1 interacting DNA helicase 1; minus strand). Cytogenetic location: 17q23.2.
Variant type: single nucleotide variant.
Coding change: c.2009T>C on transcript NM_032043.3 (MANE Select); coding-DNA position 2009, T replaced by C.
Protein change: p.Phe670Ser; replaces phenylalanine 670 with serine.
Molecular consequence: missense variant.
Genome position (GRCh38, 1-based): chr17:61,776,489, A>G on the plus strand (T>C on the coding strand, the complement: BRIP1 is on the minus strand). VCF-style: chr17-61776489-A-G. GRCh37 (hg19) VCF-style: chr17-59853850-A-G.
Other names: short protein forms F670S.
Identifiers: ClinVar variation 530350 (VCV000530350.14), dbSNP rs1555601107, ClinGen allele CA400478358.

ClinVar aggregate classification (germline): Uncertain significance. Review status: criteria provided, multiple submitters, no conflicts (2 of 4 stars). 3 submissions from 3 submitters: Uncertain significance (3). Last evaluated 2025-12-21.

Conditions:
Fanconi anemia complementation group J. Also called: BRIP1-Related Fanconi Anemia. Identifiers: Orphanet 84, MedGen C1836860, MONDO:0012187, OMIM 609054.
Familial cancer of breast. Also called: BREAST CANCER, FAMILIAL; hereditary breast carcinoma; Hereditary breast cancer. Identifiers: Orphanet 227535, MedGen C0346153, MONDO:0016419, OMIM 114480. Disease mechanism: loss of function.
Hereditary cancer-predisposing syndrome. Also called: Neoplastic Syndromes, Hereditary; Hereditary neoplastic syndrome; Tumor predisposition; Hereditary Cancer Syndrome. Identifiers: Orphanet 140162, MedGen C0027672, MeSH D009386, MONDO:0015356.

Allele frequency attached by ClinVar (database versions not stated): gnomAD exomes below 0.00001.
gnomAD v4.1: 2 of 1,614,172 alleles (0.00012%); highest among the groups gnomAD compares: Non-Finnish European, 0.00017%; no homozygotes.

Submissions (3):

Labcorp Genetics (formerly Invitae), Labcorp
Classification: Uncertain significance for Familial cancer of breast; Fanconi anemia complementation group J. Last evaluated: 2025-12-21. Review status: criteria provided, single submitter. Criteria: Invitae Variant Classification Sherloc (09022015). Collection method: clinical testing. Allele origin: germline.
Comment: This sequence change replaces phenylalanine, which is neutral and non-polar, with serine, which is neutral and polar, at codon 670 of the BRIP1 protein (p.Phe670Ser). This variant is not present in population databases (gnomAD no frequency). This variant has not been reported in the literature in individuals affected with BRIP1-related conditions. ClinVar contains an entry for this variant (Variation ID: 530350). Invitae Evidence Modeling of protein sequence and biophysical properties (such as structural, functional, and spatial information, amino acid conservation, physicochemical variation, residue mobility, and thermodynamic stability) has been performed for this missense variant. However, the output from this modeling did not meet the statistical confidence thresholds required to predict the impact of this variant on BRIP1 protein function. In summary, the available evidence is currently insufficient to determine the role of this variant in disease. Therefore, it has been classified as a Variant of Uncertain Significance.

Center for Genomic Medicine, Rigshospitalet, Copenhagen University Hospital
Classification: Uncertain significance. Last evaluated: 2025-03-04. Review status: criteria provided, single submitter. Criteria: ACMG Guidelines, 2015. Collection method: clinical testing. Allele origin: germline.

Ambry Genetics
Classification: Uncertain significance for Hereditary cancer-predisposing syndrome. Last evaluated: 2024-11-28. Review status: criteria provided, single submitter. Criteria: Ambry Variant Classification Scheme 2023. Collection method: clinical testing. Allele origin: germline.
Comment: The p.F670S variant (also known as c.2009T>C), located in coding exon 13 of the BRIP1 gene, results from a T to C substitution at nucleotide position 2009. The phenylalanine at codon 670 is replaced by serine, an amino acid with highly dissimilar properties. This amino acid position is conserved. In addition, the in silico prediction for this alteration is inconclusive. Since supporting evidence is limited at this time, the clinical significance of this alteration remains unclear.